The following is an entry in ClinVar:

NM_152383.5(DIS3L2):c.1084A>G (p.Thr362Ala)

Gene: DIS3L2 (DIS3 like 3'-5' exoribonuclease 2; plus strand). Cytogenetic location: 2q37.1.
Variant type: single nucleotide variant.
Coding change: c.1084A>G on transcript NM_152383.5 (MANE Select); coding-DNA position 1084, A replaced by G.
Protein change: p.Thr362Ala; replaces threonine 362 with alanine.
Molecular consequence: missense variant. On other transcripts: non-coding transcript variant (2).
Genome position (GRCh38, 1-based): chr2:232,163,592, A>G. VCF-style: chr2-232163592-A-G. GRCh37 (hg19) VCF-style: chr2-233028302-A-G.
Other names: c.1084A>G, p.Thr362Ala (NM_001257281.2); short protein forms T362A.
Identifiers: ClinVar variation 566895 (VCV000566895.8), dbSNP rs1047265933, ClinGen allele CA67514545.
Genomic context (GRCh38, chr2:232,163,592, plus strand): 5'-GTGGATTTCTCTGATTTCTCTTCAGAAGTTCTAGAATGTCTTCCTCAAGGCCTGCCATGG[A>G]CAATTCCACCAGAGGAGTTCAGCAAGAGAAGGGATTTAAGGTAAGCACCTGAAACCCTTT-3'
Protein context (NP_689596.4, residues 352-372): LECLPQGLPW[Thr362Ala]IPPEEFSKRR

ClinVar aggregate classification (germline): Uncertain significance (1 of 4 stars; one submission).

Conditions:
Perlman syndrome (PRLMNS). Identifiers: Orphanet 2849, MedGen C0796113, MONDO:0009965, OMIM 267000.

Allele frequency attached by ClinVar (database versions not stated): TOPMed 0.00002.

Submission:

Labcorp Genetics (formerly Invitae), Labcorp
Classification: Uncertain significance for Perlman syndrome. Last evaluated: 2023-10-03. Review status: criteria provided, single submitter. Criteria: Invitae Variant Classification Sherloc (09022015). Collection method: clinical testing. Allele origin: germline.
Comment: This sequence change replaces threonine, which is neutral and polar, with alanine, which is neutral and non-polar, at codon 362 of the DIS3L2 protein (p.Thr362Ala). This variant is not present in population databases (gnomAD no frequency). This variant has not been reported in the literature in individuals affected with DIS3L2-related conditions. ClinVar contains an entry for this variant (Variation ID: 566895). Advanced modeling of protein sequence and biophysical properties (such as structural, functional, and spatial information, amino acid conservation, physicochemical variation, residue mobility, and thermodynamic stability) performed at Invitae indicates that this missense variant is not expected to disrupt DIS3L2 protein function. In summary, the available evidence is currently insufficient to determine the role of this variant in disease. Therefore, it has been classified as a Variant of Uncertain Significance.